The following is an entry in ClinVar:

NM_006329.4(FBLN5):c.65A>G (p.Asn22Ser)

Gene: FBLN5 (fibulin 5; minus strand). Cytogenetic location: 14q32.12.
Variant type: single nucleotide variant.
Coding change: c.65A>G on transcript NM_006329.4 (MANE Select); coding-DNA position 65, A replaced by G.
Protein change: p.Asn22Ser; replaces asparagine 22 with serine.
Molecular consequence: missense variant. On other transcripts: 5 prime UTR variant (2).
Genome position (GRCh38, 1-based): chr14:91,942,914, T>C on the plus strand (A>G on the coding strand, the complement: FBLN5 is on the minus strand). VCF-style: chr14-91942914-T-C. GRCh37 (hg19) VCF-style: chr14-92409258-T-C.
Other names: c.65A>G, p.Asn22Ser (NM_001384158.1, NM_001384160.1); c.116A>G, p.Asn39Ser (NM_001384159.1); c.-205A>G (NM_001384161.1, NM_001384162.1); short protein forms N22S, N39S.
Identifiers: ClinVar variation 3728790 (VCV003728790.2).
Genomic context (GRCh38, chr14:91,942,914, plus strand): 5'-TCACCCCGGATTTTAATACGCTTGTAGATATTTTTTAAAAATAAAAATCTTACCTGTGCA[T>C]TCCCAGGGCTTGGAAGACAGAGAGCCAGAATGGTAACAGTGAGTATCCTGTGGAGGTGAA-3'
Protein context (NP_006320.2, residues 12-32): ILALCLPSPG[Asn22Ser]AQAQCTNGFD

ClinVar aggregate classification (germline): Uncertain significance (1 of 4 stars; one submission).

Submission:

Labcorp Genetics (formerly Invitae), Labcorp
Classification: Uncertain significance. Last evaluated: 2025-01-11. Review status: criteria provided, single submitter. Criteria: Invitae Variant Classification Sherloc (09022015). Collection method: clinical testing. Allele origin: germline.
Comment: This sequence change replaces asparagine, which is neutral and polar, with serine, which is neutral and polar, at codon 22 of the FBLN5 protein (p.Asn22Ser). This variant is not present in population databases (gnomAD no frequency). This variant has not been reported in the literature in individuals affected with FBLN5-related conditions. An algorithm developed to predict the effect of missense changes on protein structure and function outputs the following: PolyPhen-2: "Benign". The serine amino acid residue is found in multiple mammalian species, which suggests that this missense change does not adversely affect protein function. In summary, the available evidence is currently insufficient to determine the role of this variant in disease. Therefore, it has been classified as a Variant of Uncertain Significance.